The following is an entry in ClinVar:

NM_001875.5(CPS1):c.1264-2A>G

Gene: CPS1 (carbamoyl-phosphate synthase 1; plus strand). Cytogenetic location: 2q34.
Variant type: single nucleotide variant.
Coding change: c.1264-2A>G on transcript NM_001875.5 (MANE Select); the canonical splice acceptor site of the intron before coding-DNA position 1264, A replaced by G.
Molecular consequence: splice acceptor variant.
Genome position (GRCh38, 1-based): chr2:210,595,485, A>G. VCF-style: chr2-210595485-A-G. GRCh37 (hg19) VCF-style: chr2-211460209-A-G.
Other names: c.1264-2A>G (NM_001369257.1, NM_001122633.3); c.1297-2A>G (NM_001369256.1).
Identifiers: ClinVar variation 3638810 (VCV003638810.3).
Genomic context (GRCh38, chr2:210,595,485, plus strand): 5'-GAAAATGCCTTATTTCCCCCATTTTAGCAGTAATAACAGTGTCTTTTTCTTATTGCTTAT[A>G]GGTTTCCAAAGTCCTTATTCTAGGATCAGGAGGTCTGTCCATTGGTCAGGCTGGAGAATT-3'

ClinVar aggregate classification (germline): Likely pathogenic (1 of 4 stars; one submission).

Conditions:
Congenital hyperammonemia, type I. Also called: CPS I DEFICIENCY; Carbamoyl phosphate synthetase I deficiency disease; Carbamoyl phosphate synthetase 1 deficiency; Hyperammonemia due to carbamoyl phosphate synthetase 1 deficiency; CPS 1 deficiency; Carbamyl phosphate synthetase (CPS) deficiency. Identifiers: Orphanet 147, MedGen C4082171, MONDO:0009376, OMIM 237300.

Submissions (2):

Labcorp Genetics (formerly Invitae), Labcorp
Classification: Likely pathogenic for Congenital hyperammonemia, type I. Last evaluated: 2024-02-04. Review status: criteria provided, single submitter. Criteria: Invitae Variant Classification Sherloc (09022015). Collection method: clinical testing. Allele origin: germline.
Comment: This sequence change affects an acceptor splice site in intron 12 of the CPS1 gene. It is expected to disrupt RNA splicing. Variants that disrupt the donor or acceptor splice site typically lead to a loss of protein function (PMID: 16199547), and loss-of-function variants in CPS1 are known to be pathogenic (PMID: 21120950). This variant is not present in population databases (gnomAD no frequency). This variant has not been reported in the literature in individuals affected with CPS1-related conditions. Algorithms developed to predict the effect of sequence changes on RNA splicing suggest that this variant may disrupt the consensus splice site. In summary, the currently available evidence indicates that the variant is pathogenic, but additional data are needed to prove that conclusively. Therefore, this variant has been classified as Likely Pathogenic.

Dr. Peter K. Rogan Lab, Western University
No classification provided (evidence only). Condition: Hepatocellular carcinoma. Review status: no classification provided. Collection method: in vitro. Allele origin: not applicable. Functional consequence: skipped exon, retained intron. Not counted in ClinVar's aggregate classification.

Literature cited by the submitters: PubMed 16199547 (cited by Labcorp Genetics (formerly Invitae), Labcorp); PubMed 21120950 (cited by Labcorp Genetics (formerly Invitae), Labcorp).